The following is an entry in ClinVar:

NM_000135.4(FANCA):c.1567-20A>G

Gene: FANCA (FA complementation group A; minus strand). Cytogenetic location: 16q24.3.
Variant type: single nucleotide variant.
Coding change: c.1567-20A>G on transcript NM_000135.4 (MANE Select); 20 bases into the intron before coding-DNA position 1567, A replaced by G.
Molecular consequence: intron variant.
Genome position (GRCh38, 1-based): chr16:89,782,938, T>C on the plus strand (A>G on the coding strand, the complement: FANCA is on the minus strand). VCF-style: chr16-89782938-T-C. GRCh37 (hg19) VCF-style: chr16-89849346-T-C.
Other names: c.1567-20A>G (NM_001286167.3).
Identifiers: ClinVar variation 974316 (VCV000974316.3), dbSNP rs775154397, ClinGen allele CA8252253.

ClinVar aggregate classification (germline): Likely pathogenic. Review status: criteria provided, multiple submitters, no conflicts (2 of 4 stars). 3 submissions from 3 submitters: Likely pathogenic (2). 1 of the submissions does not count toward it. Last evaluated 2023-10-17.

Conditions:
Fanconi anemia (FA). Also called: Fanconi's anemia. Identifiers: Orphanet 84, MedGen C0015625, MeSH D005199, MONDO:0019391.
Fanconi anemia complementation group A (FANCA). Also called: Fanconi anemia, group A; FANCA-Related Fanconi Anemia. Identifiers: Orphanet 84, MedGen C3469521, MONDO:0009215, OMIM 227650.

Allele frequency attached by ClinVar (database versions not stated): gnomAD exomes below 0.00001; TOPMed below 0.00001; ExAC 0.00001.
gnomAD v4.1: 3 of 1,613,670 alleles (0.00019%); highest among the groups gnomAD compares: Non-Finnish European, 0.00025%; no homozygotes.

Submissions (3):

Women's Health and Genetics/Laboratory Corporation of America, LabCorp
Classification: Likely pathogenic for Fanconi anemia. Last evaluated: 2023-10-17. Review status: criteria provided, single submitter. Criteria: LabCorp Variant Classification Summary - May 2015. Collection method: clinical testing. Allele origin: germline.
Comment: Variant summary: FANCA c.1567-20A>G alters a non-conserved nucleotide located at a position not widely known to affect splicing. Consensus agreement among computation tools predict no significant impact on normal splicing. However, at least one publication reports experimental evidence that this variant affects mRNA splicing (Savino_2003), suggesting that it causes a retention of 88 bp of intronic sequence which is expected to result in a frameshift. The variant allele was found at a frequency of 4e-06 in 251426 control chromosomes (gnomAD). c.1567-20A>G has been reported in the literature in an individual affected with Fanconi Anemia (Savino_2003). These data indicate that the variant may be associated with disease. The following publications have been ascertained in the context of this evaluation (PMID: 12955722, 24584348). One submitter has cited a clinical-significance assessments for this variant to ClinVar after 2014 and has classified the variant as pathogenic. Based on the evidence outlined above, the variant was classified as likely pathogenic.

Baylor Genetics
Classification: Likely pathogenic for Fanconi anemia complementation group A. Last evaluated: 2023-08-13. Review status: criteria provided, single submitter. Criteria: ACMG Guidelines, 2015. Collection method: clinical testing. Allele origin: unknown.

Leiden Open Variation Database
Classification: Pathogenic for Fanconi anemia complementation group A. Last evaluated: 2020-02-28. Review status: no assertion criteria provided. Collection method: curation. Allele origin: germline. Affected: yes. Not counted in ClinVar's aggregate classification.
Comment: Curator: Arleen D. Auerbach. Submitter to LOVD: Arleen D. Auerbach.

Literature cited by the submitters: PubMed 24584348 (cited by Women's Health and Genetics/Laboratory Corporation of America, LabCorp); PubMed 12955722 (cited by Women's Health and Genetics/Laboratory Corporation of America, LabCorp and Leiden Open Variation Database).